The following is an entry in ClinVar:

ClinVar aggregate classification (germline): Uncertain significance (1 of 4 stars; one submission).

Conditions:
Neurofibromatosis, type 1 (NF1). Also called: Neurofibromatosis, type I; VON RECKLINGHAUSEN DISEASE; NEUROFIBROMATOSIS, TYPE I, SOMATIC; Peripheral type neurofibromatosis. Identifiers: Orphanet 636, MedGen C0027831, MONDO:0018975, OMIM 162200. Disease mechanism: loss of function.

Submissions (2):

Labcorp Genetics (formerly Invitae), Labcorp
Classification: Uncertain significance for Neurofibromatosis, type 1. Last evaluated: 2022-12-23. Review status: criteria provided, single submitter. Criteria: Invitae Variant Classification Sherloc (09022015). Collection method: clinical testing. Allele origin: germline.
Comment: This variant has not been reported in the literature in individuals affected with NF1-related conditions. In summary, the available evidence is currently insufficient to determine the role of this variant in disease. Therefore, it has been classified as a Variant of Uncertain Significance. Advanced modeling of protein sequence and biophysical properties (such as structural, functional, and spatial information, amino acid conservation, physicochemical variation, residue mobility, and thermodynamic stability) performed at Invitae indicates that this missense variant is expected to disrupt NF1 protein function. ClinVar contains an entry for this variant (Variation ID: 1721459). This variant is not present in population databases (gnomAD no frequency). This sequence change replaces glutamic acid, which is acidic and polar, with glycine, which is neutral and non-polar, at codon 1795 of the NF1 protein (p.Glu1795Gly).

Dr. Peter K. Rogan Lab, Western University
No classification provided (evidence only). Condition: Ovarian serous cystadenocarcinoma. Review status: no classification provided. Collection method: in vitro. Allele origin: not applicable. Functional consequence: retained intron. Not counted in ClinVar's aggregate classification.

NM_001042492.3(NF1):c.5447A>G (p.Glu1816Gly)

Gene: NF1 (neurofibromin 1; plus strand). Cytogenetic location: 17q11.2.
Variant type: single nucleotide variant.
Coding change: c.5447A>G on transcript NM_001042492.3 (MANE Select); coding-DNA position 5447, A replaced by G.
Protein change: p.Glu1816Gly; replaces glutamic acid 1816 with glycine.
Molecular consequence: missense variant.
Genome position (GRCh38, 1-based): chr17:31,327,677, A>G. VCF-style: chr17-31327677-A-G. GRCh37 (hg19) VCF-style: chr17-29654695-A-G.
Other names: c.5384A>G, p.Glu1795Gly (NM_000267.4); short protein forms E1795G, E1816G.
Identifiers: ClinVar variation 1721459 (VCV001721459.6), dbSNP rs2508706795, ClinGen allele CA399009463.
Genomic context (GRCh38, chr17:31,327,677, plus strand): 5'-AGAACCAGTTCACCTTAACCATTGCAAACCAGGGCACGCCGCTCACCTTCATGCACCAGG[A>G]GTGTGAAGCCATTGTCCAGTCTATCATTCATATCCGGACCCGCTGGGAACTGTCACAGCC-3'
Protein context (NP_001035957.1, residues 1806-1826): QGTPLTFMHQ[Glu1816Gly]CEAIVQSIIH